The following is an entry in ClinVar:

NM_001303052.2(MYT1L):c.2865G>A (p.Pro955=)

Gene: MYT1L (myelin transcription factor 1 like; minus strand). Cytogenetic location: 2p25.3.
Variant type: single nucleotide variant.
Coding change: c.2865G>A on transcript NM_001303052.2 (MANE Select); coding-DNA position 2865, G replaced by A.
Protein change: p.Pro955=; no amino-acid change (proline 955 retained).
Molecular consequence: synonymous variant.
Genome position (GRCh38, 1-based): chr2:1,839,364, C>T on the plus strand (G>A on the coding strand, the complement: MYT1L is on the minus strand). VCF-style: chr2-1839364-C-T. GRCh37 (hg19) VCF-style: chr2-1843136-C-T.
Other names: c.2865G>A, p.Pro955= (NM_001329844.2, NM_001329845.1, NM_001329851.3); c.2859G>A, p.Pro953= (NM_001329846.3, NM_001329847.2, NM_001329848.1 and 3 more transcripts).
Identifiers: ClinVar variation 3056291 (VCV003056291.2), dbSNP rs773769801, ClinGen allele CA1513932.
Genomic context (GRCh38, chr2:1,839,364, plus strand): 5'-GGCGCTGCGATGGGACGCGTACTTCCCAGTGATGTGGCCCTGGCCGTCGCACCCGGGGAC[C>T]GGACACCTGTAGGCAGGCAGAGGTGACACACTTTATTGTCTGGCCACCGTCGCCTGGTGG-3'
Protein context (NP_001289981.1, residues 945-965): DKEDQEPIRC[Pro955=]VPGCDGQGHI

ClinVar aggregate classification (germline): Likely benign (0 of 4 stars; one submission).

Conditions:
MYT1L-related disorder. Also called: MYT1L-related condition.

Allele frequency attached by ClinVar (database versions not stated): gnomAD 0.00001; gnomAD exomes 0.00001; TOPMed 0.00002; ExAC 0.00003.
gnomAD v4.1: 21 of 1,612,430 alleles (0.0013%); highest among the groups gnomAD compares: South Asian, 0.0077%; no homozygotes.

Submission:

PreventionGenetics, part of Exact Sciences
Classification: Likely benign for MYT1L-related condition. Last evaluated: 2023-10-06. Review status: no assertion criteria provided. Collection method: clinical testing. Allele origin: germline.
Comment: This variant is classified as likely benign based on ACMG/AMP sequence variant interpretation guidelines (Richards et al. 2015 PMID: 25741868, with internal and published modifications).